The following is an entry in ClinVar:

ClinVar aggregate classification (germline): Uncertain significance. Review status: criteria provided, multiple submitters, no conflicts (2 of 4 stars). 3 submissions from 3 submitters: Uncertain significance (3). Last evaluated 2026-05-14.

Conditions:
Bethlem myopathy 1A. Also called: MYOPATHY, BENIGN CONGENITAL, WITH CONTRACTURES; Bethlem myopathy 1; Bethlem Muscular Dystrophy. Identifiers: Orphanet 610, MedGen CN029274, MONDO:0024530, OMIM 158810.
COL6A2-related disorder.

Allele frequency attached by ClinVar (database versions not stated): ExAC 0.00001; TOPMed 0.00001; gnomAD exomes 0.00002; gnomAD 0.00003.
gnomAD v4.1: 36 of 1,606,478 alleles (0.0022%); highest among the groups gnomAD compares: South Asian, 0.0077%; no homozygotes.

Submissions (3):

PreventionGenetics, part of Exact Sciences
Classification: Uncertain significance for COL6A2-related condition. Last evaluated: 2026-05-14. Review status: criteria provided, single submitter. Criteria: ACMG Guidelines, 2015. Collection method: clinical testing. Allele origin: germline.
Comment: The COL6A2 c.2818G>A variant is predicted to result in the amino acid substitution p.Ala940Thr. This variant and another missense COL6A2 variant on the same allele have been reported in trans with a COL6A2 splicing variant in an individual with limb girdle muscular dystrophy (LGMD) (Stehlikova et al. 2017. PubMed ID: 27447704; Zidkova et al. 2023. PubMed ID: 37526466). Given the additional missense variant in cis, it is not clear if the c.2818G>A variant contributed to the patient phenotype. This variant is reported in 0.0033% of alleles in individuals of South Asian descent in gnomAD. At this time, the clinical significance of this variant is uncertain due to the absence of conclusive functional and genetic evidence.

Labcorp Genetics (formerly Invitae), Labcorp
Classification: Uncertain significance for Bethlem myopathy 1A. Last evaluated: 2023-11-13. Review status: criteria provided, single submitter. Criteria: Invitae Variant Classification Sherloc (09022015). Collection method: clinical testing. Allele origin: germline.
Comment: This sequence change replaces alanine, which is neutral and non-polar, with threonine, which is neutral and polar, at codon 940 of the COL6A2 protein (p.Ala940Thr). The frequency data for this variant in the population databases is considered unreliable, as metrics indicate poor data quality at this position in the gnomAD database. This variant has not been reported in the literature in individuals affected with COL6A2-related conditions. ClinVar contains an entry for this variant (Variation ID: 2440372). Advanced modeling of protein sequence and biophysical properties (such as structural, functional, and spatial information, amino acid conservation, physicochemical variation, residue mobility, and thermodynamic stability) performed at Invitae indicates that this missense variant is expected to disrupt COL6A2 protein function with a positive predictive value of 80%. In summary, the available evidence is currently insufficient to determine the role of this variant in disease. Therefore, it has been classified as a Variant of Uncertain Significance.

Revvity Omics, Revvity
Classification: Uncertain significance. Last evaluated: 2019-05-03. Review status: criteria provided, single submitter. Criteria: ACMG Guidelines, 2015. Collection method: clinical testing. Allele origin: germline.

NM_001849.4(COL6A2):c.2818G>A (p.Ala940Thr)

Gene: COL6A2 (collagen type VI alpha 2 chain; plus strand). Cytogenetic location: 21q22.3.
Variant type: single nucleotide variant.
Coding change: c.2818G>A on transcript NM_001849.4 (MANE Select); coding-DNA position 2818, G replaced by A.
Protein change: p.Ala940Thr; replaces alanine 940 with threonine.
Molecular consequence: missense variant.
Genome position (GRCh38, 1-based): chr21:46,132,310, G>A. VCF-style: chr21-46132310-G-A. GRCh37 (hg19) VCF-style: chr21-47552224-G-A.
Other names: short protein forms A940T.
Identifiers: ClinVar variation 2440372 (VCV002440372.6), dbSNP rs780703127, ClinGen allele CA10073035.